The following is an entry in ClinVar:

NM_005918.4(MDH2):c.885+7A>G

Gene: MDH2 (malate dehydrogenase 2; plus strand). Cytogenetic location: 7q11.23.
Variant type: single nucleotide variant.
Coding change: c.885+7A>G on transcript NM_005918.4 (MANE Select); 7 bases into the intron after coding-DNA position 885, A replaced by G.
Molecular consequence: intron variant.
Genome position (GRCh38, 1-based): chr7:76,064,960, A>G. VCF-style: chr7-76064960-A-G. GRCh37 (hg19) VCF-style: chr7-75694278-A-G.
Other names: c.759+7A>G (NM_001282403.2); c.564+7A>G (NM_001282404.2).
Identifiers: ClinVar variation 1145226 (VCV001145226.28), dbSNP rs372862264, ClinGen allele CA4305740.

ClinVar aggregate classification (germline): Conflicting classifications of pathogenicity. Review status: criteria provided, conflicting classifications (1 of 4 stars). 2 submissions from 2 submitters: Uncertain significance (1); Likely benign (1). Last evaluated 2025-12-09.

Allele frequency attached by ClinVar (database versions not stated): ExAC 0.00002; ESP Exome Variant Server 0.00015.
gnomAD v4.1: 11 of 1,613,940 alleles (0.00068%); highest among the groups gnomAD compares: Middle Eastern, 0.016%; no homozygotes.

Submissions (2):

Labcorp Genetics (formerly Invitae), Labcorp
Classification: Likely benign. Last evaluated: 2025-12-09. Review status: criteria provided, single submitter. Criteria: Invitae Variant Classification Sherloc (09022015). Collection method: clinical testing. Allele origin: germline.

CeGaT Center for Human Genetics Tuebingen
Classification: Uncertain significance. Last evaluated: 2024-06-01. Review status: criteria provided, single submitter. Criteria: CeGaT Center For Human Genetics Tuebingen Variant Classification Criteria Version 2. Collection method: clinical testing. Allele origin: germline. Affected: yes. Observed: 1 variant allele.
Comment: MDH2: PM2, BP4